The following is an entry in ClinVar:

NM_001287491.2(TET3):c.2881A>G (p.Asn961Asp)

Gene: TET3 (tet methylcytosine dioxygenase 3; plus strand). Cytogenetic location: 2p13.1.
Variant type: single nucleotide variant.
Coding change: c.2881A>G on transcript NM_001287491.2 (MANE Select); coding-DNA position 2881, A replaced by G.
Protein change: p.Asn961Asp; replaces asparagine 961 with aspartic acid.
Molecular consequence: missense variant.
Genome position (GRCh38, 1-based): chr2:74,088,031, A>G. VCF-style: chr2-74088031-A-G. GRCh37 (hg19) VCF-style: chr2-74315158-A-G.
Other names: c.2602A>G, p.Asn868Asp (NM_001366022.1); c.2476A>G, p.Asn826Asp (NM_144993.1); short protein forms N961D, N826D, N868D.
Identifiers: ClinVar variation 3176238 (VCV003176238.1), dbSNP rs2467624399, ClinGen allele CA347311108.

ClinVar aggregate classification (germline): Uncertain significance (1 of 4 stars; one submission).

Conditions:
Inborn genetic diseases. Identifiers: MedGen C0950123, MeSH D030342.

Submission:

Ambry Genetics
Classification: Uncertain significance for Inborn genetic diseases. Last evaluated: 2024-02-08. Review status: criteria provided, single submitter. Criteria: Ambry Variant Classification Scheme 2023. Collection method: clinical testing. Allele origin: germline.
Comment: The c.2476A>G (p.N826D) alteration is located in exon 4 (coding exon 4) of the TET3 gene. This alteration results from an A to G substitution at nucleotide position 2476, causing the asparagine (N) at amino acid position 826 to be replaced by an aspartic acid (D). This variant was not reported in population-based cohorts in the Genome Aggregation Database (gnomAD). This amino acid position is highly conserved in available vertebrate species. This missense alteration is located in a region that has a low rate of benign missense variation (Lek, 2016; Firth, 2009). The in silico prediction for this alteration is inconclusive. Based on insufficient or conflicting evidence, the clinical significance of this alteration remains unclear.